The following is an entry in ClinVar:

ClinVar aggregate classification (germline): Uncertain significance (1 of 4 stars; one submission).

Conditions:
Neurodegeneration with brain iron accumulation 6 (NBIA6). Also called: COASY protein-associated neurodegeneration. Identifiers: Orphanet 397725, MedGen C4517377, MONDO:0014290, OMIM 615643.

Submission:

Labcorp Genetics (formerly Invitae), Labcorp
Classification: Uncertain significance for Neurodegeneration with brain iron accumulation 6. Last evaluated: 2022-02-23. Review status: criteria provided, single submitter. Criteria: Invitae Variant Classification Sherloc (09022015). Collection method: clinical testing. Allele origin: germline.
Comment: This sequence change replaces leucine, which is neutral and non-polar, with valine, which is neutral and non-polar, at codon 282 of the COASY protein (p.Leu282Val). This variant is not present in population databases (gnomAD no frequency). This variant has not been reported in the literature in individuals affected with COASY-related conditions. Algorithms developed to predict the effect of missense changes on protein structure and function are either unavailable or do not agree on the potential impact of this missense change (SIFT: "Deleterious"; PolyPhen-2: "Probably Damaging"; Align-GVGD: "Class C15"). In summary, the available evidence is currently insufficient to determine the role of this variant in disease. Therefore, it has been classified as a Variant of Uncertain Significance.

NM_025233.7(COASY):c.844C>G (p.Leu282Val)

Gene: COASY (Coenzyme A synthase; plus strand). Cytogenetic location: 17q21.2.
Variant type: single nucleotide variant.
Coding change: c.844C>G on transcript NM_025233.7 (MANE Select); coding-DNA position 844, C replaced by G.
Protein change: p.Leu282Val; replaces leucine 282 with valine.
Molecular consequence: missense variant.
Genome position (GRCh38, 1-based): chr17:42,564,104, C>G. VCF-style: chr17-42564104-C-G. GRCh37 (hg19) VCF-style: chr17-40716122-C-G.
Other names: c.844C>G, p.Leu282Val (NM_001042529.3); c.931C>G, p.Leu311Val (NM_001042532.4); short protein forms L282V, L311V.
Identifiers: ClinVar variation 1973212 (VCV001973212.5), dbSNP rs2510680628, ClinGen allele CA399595637.